The following is an entry in ClinVar:

ClinVar aggregate classification (germline): Uncertain significance (1 of 4 stars; one submission).

Conditions:
Kabuki syndrome 2 (KABUK2). Also called: KDM6A-Related Kabuki Syndrome. Identifiers: Orphanet 2322, MedGen C3275495, MONDO:0010465, OMIM 300867.

Submission:

Labcorp Genetics (formerly Invitae), Labcorp
Classification: Uncertain significance for Kabuki syndrome 2. Last evaluated: 2025-05-23. Review status: criteria provided, single submitter. Criteria: Invitae Variant Classification Sherloc (09022015). Collection method: clinical testing. Allele origin: germline.
Comment: This sequence change replaces arginine, which is basic and polar, with serine, which is neutral and polar, at codon 732 of the KDM6A protein (p.Arg732Ser). This variant is not present in population databases (gnomAD no frequency). This variant has not been reported in the literature in individuals affected with KDM6A-related conditions. Invitae Evidence Modeling of protein sequence and biophysical properties (such as structural, functional, and spatial information, amino acid conservation, physicochemical variation, residue mobility, and thermodynamic stability) indicates that this missense variant is not expected to disrupt KDM6A protein function with a negative predictive value of 80%. In summary, the available evidence is currently insufficient to determine the role of this variant in disease. Therefore, it has been classified as a Variant of Uncertain Significance.

NM_001291415.2(KDM6A):c.2352G>C (p.Arg784Ser)

Gene: KDM6A (lysine demethylase 6A; plus strand). Cytogenetic location: Xp11.3.
Variant type: single nucleotide variant.
Coding change: c.2352G>C on transcript NM_001291415.2 (MANE Select); coding-DNA position 2352, G replaced by C.
Protein change: p.Arg784Ser; replaces arginine 784 with serine.
Molecular consequence: missense variant. On other transcripts: non-coding transcript variant (1).
Genome position (GRCh38, 1-based): chrX:45,069,851, G>C. VCF-style: chrX-45069851-G-C. GRCh37 (hg19) VCF-style: chrX-44929096-G-C.
Other names: c.2196G>C, p.Arg732Ser (NM_001419812.1, NM_021140.4); c.2250G>C, p.Arg750Ser (NM_001419813.1, NM_001419810.1); c.2094G>C, p.Arg698Ser (NM_001419814.1, NM_001410742.1); c.1959G>C, p.Arg653Ser (NM_001419815.1, NM_001291418.2); c.2217G>C, p.Arg739Ser (NM_001291416.2, NM_001419811.1); c.2061G>C, p.Arg687Ser (NM_001291417.2); c.1308G>C, p.Arg436Ser (NM_001291421.2); c.2352G>C, p.Arg784Ser (NM_001419809.1); short protein forms R732S, R653S, R698S, R436S, R739S, R750S, R687S, R784S.
Identifiers: ClinVar variation 4741908 (VCV004741908.1).